The following is an entry in ClinVar:

NM_001376.5(DYNC1H1):c.9762+3A>G

Gene: DYNC1H1 (dynein cytoplasmic 1 heavy chain 1; plus strand). Cytogenetic location: 14q32.31.
Variant type: single nucleotide variant.
Coding change: c.9762+3A>G on transcript NM_001376.5 (MANE Select); 3 bases into the intron after coding-DNA position 9762, A replaced by G.
Molecular consequence: intron variant.
Genome position (GRCh38, 1-based): chr14:102,029,941, A>G. VCF-style: chr14-102029941-A-G. GRCh37 (hg19) VCF-style: chr14-102496278-A-G.
Identifiers: ClinVar variation 2902670 (VCV002902670.3), dbSNP rs767715372, ClinGen allele CA7353280.
Genomic context (GRCh38, chr14:102,029,941, plus strand): 5'-AGCCAATGACAAGCTGAAAAAGATGGTGAAAGACCAGCAGGAGGCTGAAAAGAAGAAGGT[A>G]TGGTGTCAGGGAATTCTGGCCTGTAAGGACTGAGCATTTTCAGTCTCCAATGAGAGAGTA-3'

ClinVar aggregate classification (germline): Uncertain significance (1 of 4 stars; one submission).

Conditions:
Charcot-Marie-Tooth disease axonal type 2O. Also called: CHARCOT-MARIE-TOOTH NEUROPATHY, AXONAL, TYPE 2O; CHARCOT-MARIE-TOOTH DISEASE, AXONAL, AUTOSOMAL DOMINANT, TYPE 2O; Charcot-Marie-Tooth Neuropathy Type 2O; Charcot-Marie-Tooth disease, axonal, type 20. Identifiers: Orphanet 284232, MedGen C3280220, MONDO:0013644, OMIM 614228.

Allele frequency attached by ClinVar (database versions not stated): TOPMed below 0.00001; ExAC 0.00001; gnomAD 0.00001.
gnomAD v4.1: 3 of 1,613,978 alleles (0.00019%); highest among the groups gnomAD compares: Admixed American, 0.005%; no homozygotes.

Submission:

Labcorp Genetics (formerly Invitae), Labcorp
Classification: Uncertain significance for Charcot-Marie-Tooth disease axonal type 2O. Last evaluated: 2023-04-20. Review status: criteria provided, single submitter. Criteria: Invitae Variant Classification Sherloc (09022015). Collection method: clinical testing. Allele origin: germline.
Comment: This sequence change falls in intron 50 of the DYNC1H1 gene. It does not directly change the encoded amino acid sequence of the DYNC1H1 protein. It affects a nucleotide within the consensus splice site. This variant is present in population databases (rs767715372, gnomAD 0.006%). This variant has not been reported in the literature in individuals affected with DYNC1H1-related conditions. Variants that disrupt the consensus splice site are a relatively common cause of aberrant splicing (PMID: 17576681, 9536098). Algorithms developed to predict the effect of sequence changes on RNA splicing suggest that this variant may create or strengthen a splice site. In summary, the available evidence is currently insufficient to determine the role of this variant in disease. Therefore, it has been classified as a Variant of Uncertain Significance.

Literature cited by the submitters: PubMed 17576681; PubMed 9536098.